The following is an entry in ClinVar:

ClinVar aggregate classification (germline): Likely pathogenic. Review status: criteria provided, multiple submitters, no conflicts (2 of 4 stars). 3 submissions from 3 submitters: Likely pathogenic (3). Last evaluated 2026-09-17.

Conditions:
Hemolytic uremic syndrome, atypical, susceptibility to, 1. Also called: AHUS, SUSCEPTIBILITY TO, 1. Identifiers: Orphanet 2134, Orphanet 90038, MedGen C2749604, MONDO:0009335, OMIM 235400. Disease mechanism: Other.
Atypical hemolytic-uremic syndrome. Identifiers: Orphanet 2134, MedGen C2931788, MONDO:0016244.

Submissions (3):

Genomenon, Inc
Classification: Likely pathogenic for Atypical hemolytic-uremic syndrome. Last evaluated: 2026-09-17. Review status: criteria provided, single submitter. Criteria: Genomenon Sequence Variant Interpretation Standards - Updated. Collection method: curation. Allele origin: germline. Affected: yes.
Comment: CFH p.Thr1217del (c.3649_3651del) is an in-frame deletion that results in the loss of threonine at codon 1217. This variant has been observed in at least one proband affected with atypical hemolytic-uremic syndrome (PMID: 34993602; 41987803; 12960213; 26826462). A de novo occurrence of this variant has been observed in at least one affected individual (PMID: 34993602). It has been observed in trans with a pathogenic or likely pathogenic variant in at least one individual (PMID: 26826462). Functional studies have been reported (PMID: 26826462). It is absent or not present at a significant frequency in gnomAD. In conclusion, we classify CFH p.Thr1217del (c.3649_3651del) as a likely pathogenic variant.

MVZ Medizinische Genetik Mainz
Classification: Likely pathogenic for Hemolytic uremic syndrome, atypical, susceptibility to, 1. Last evaluated: 2025-06-03. Review status: criteria provided, single submitter. Criteria: UK Practice Guidelines For Variant Classification V4 01 2020. Collection method: clinical testing. Allele origin: germline. Inheritance: Autosomal dominant inheritance. Affected: yes. Observed: 2 variant alleles.
Comment: ACMG Criteria: PS4_MOD,PM1,PS3_SUP,PM2_SUP,PM4_SUP

Mayo Clinic Laboratories, Mayo Clinic
Classification: Likely pathogenic. Last evaluated: 2023-05-23. Review status: criteria provided, single submitter. Criteria: ACMG Guidelines, 2015. Collection method: clinical testing. Allele origin: germline. Observed: 2 variant alleles.
Comment: PM1, PM2_supporting, PM4, PS3_supporting

Literature cited by the submitters: PubMed 34993602 (cited by Genomenon, Inc); PubMed 41987803 (cited by Genomenon, Inc); PubMed 12960213 (cited by Genomenon, Inc and Mayo Clinic Laboratories, Mayo Clinic); PubMed 26826462 (cited by Genomenon, Inc and Mayo Clinic Laboratories, Mayo Clinic); PubMed 21620101 (cited by Mayo Clinic Laboratories, Mayo Clinic).

NM_000186.4(CFH):c.3646ACA[1] (p.Thr1217del)

Gene: CFH (complement factor H; plus strand). Cytogenetic location: 1q31.3.
Variant type: Microsatellite.
Coding change: c.3646ACA[1] on transcript NM_000186.4 (MANE Select); one copy of the 3-base unit ACA starting at c.3646; the reference has two copies in a row; one copy, 3 bases deleted; also written c.3649_3651del.
Protein change: p.Thr1217del; deletes threonine 1217.
Genome position (GRCh38, 1-based): chr1:196,747,266-196,747,268, ACA deleted; deleting any 3 consecutive bases within chr1:196,747,262-196,747,268 gives the same sequence; the position shown is the placement nearest the transcript's 3' end. VCF-style (leftmost placement, unchanged base first): chr1-196747261-GAAC-G. GRCh37 (hg19) VCF-style: chr1-196716391-GAAC-G.
Other names: p.Thr1217del; c.3649_3651del (NM_000186.4); short protein forms T1217del.
Identifiers: ClinVar variation 2683637 (VCV002683637.4), dbSNP rs780411647, ClinGen allele CA1305997.